The following is an entry in ClinVar:

NM_007254.4(PNKP):c.1126+3_1126+6dup

Gene: PNKP (polynucleotide kinase 3'-phosphatase; minus strand). Cytogenetic location: 19q13.33.
Variant type: Duplication.
Coding change: c.1126+3_1126+6dup on transcript NM_007254.4 (MANE Select); bases 3 to 6 of the intron after coding-DNA position 1126, 4 bases duplicated (AAGT; older notation c.1126+3_1126+6dupAAGT).
Molecular consequence: splice donor variant.
Genome position (GRCh38, 1-based): chr19:49,862,179-49,862,182, ACTT duplicated on the plus strand (AAGT on the coding strand, the reverse complement: PNKP is on the minus strand); duplicating any 4 consecutive bases within chr19:49,862,179-49,862,184 gives the same sequence; the c. name uses the placement nearest the transcript's 3' end. VCF-style (leftmost placement, unchanged base first): chr19-49862178-C-CACTT. GRCh37 (hg19) VCF-style: chr19-50365435-C-CACTT.
Identifiers: ClinVar variation 1704959 (VCV001704959.2), dbSNP rs1180378822, ClinGen allele CA633895279.
Genomic context (GRCh38, chr19:49,862,178, plus strand): 5'-CAGTGTCGGTGGGTGGCCTAGGACCCAGGCGGGGCTCAGGGCACGCGCACAGGAACAGGA[C>CACTT]ACTTACCCCCAGGGAATCCCACTGCGACAACCACCTCCGGGCTGGCGCTCAGGAGGGCCC-3'

ClinVar aggregate classification (germline): Uncertain significance (1 of 4 stars; one submission).

Submission:

GeneDx
Classification: Uncertain significance. Last evaluated: 2022-09-07. Review status: criteria provided, single submitter. Criteria: GeneDx Variant Classification Process June 2021. Collection method: clinical testing. Allele origin: germline. Affected: yes.
Comment: In silico analysis supports a deleterious effect on splicing; Has not been previously published as pathogenic or benign to our knowledge